The following is an entry in ClinVar:

ClinVar aggregate classification (germline): Uncertain significance (1 of 4 stars; one submission).

Allele frequency attached by ClinVar (database versions not stated): TOPMed below 0.00001; gnomAD exomes 0.00001; ExAC 0.00004.
gnomAD v4.1: 15 of 1,613,908 alleles (0.00093%); highest among the groups gnomAD compares: Admixed American, 0.018%; no homozygotes.

Submission:

Labcorp Genetics (formerly Invitae), Labcorp
Classification: Uncertain significance. Last evaluated: 2022-10-22. Review status: criteria provided, single submitter. Criteria: Invitae Variant Classification Sherloc (09022015). Collection method: clinical testing. Allele origin: germline.
Comment: Algorithms developed to predict the effect of missense changes on protein structure and function (SIFT, PolyPhen-2, Align-GVGD) all suggest that this variant is likely to be tolerated. In summary, the available evidence is currently insufficient to determine the role of this variant in disease. Therefore, it has been classified as a Variant of Uncertain Significance. This variant has not been reported in the literature in individuals affected with NDUFS2-related conditions. This sequence change replaces methionine, which is neutral and non-polar, with threonine, which is neutral and polar, at codon 210 of the NDUFS2 protein (p.Met210Thr). This variant is present in population databases (rs751068903, gnomAD 0.03%).

NM_001377299.1(NDUFS2):c.629T>C (p.Met210Thr)

Gene: NDUFS2 (NADH:ubiquinone oxidoreductase core subunit S2; plus strand). Cytogenetic location: 1q23.3.
Variant type: single nucleotide variant.
Coding change: c.629T>C on transcript NM_001377299.1 (MANE Select); coding-DNA position 629, T replaced by C.
Protein change: p.Met210Thr; replaces methionine 210 with threonine.
Molecular consequence: missense variant. On other transcripts: non-coding transcript variant (1).
Genome position (GRCh38, 1-based): chr1:161,209,858, T>C. VCF-style: chr1-161209858-T-C. GRCh37 (hg19) VCF-style: chr1-161179648-T-C.
Other names: c.629T>C, p.Met210Thr (NM_001166159.2, NM_001377298.1, NM_001377300.1 and 4 more transcripts); short protein forms M210T.
Identifiers: ClinVar variation 2148391 (VCV002148391.4), dbSNP rs751068903, ClinGen allele CA1208643.